The following is an entry in ClinVar:

ClinVar aggregate classification (germline): Uncertain significance (1 of 4 stars; one submission).

Conditions:
Autosomal recessive limb-girdle muscular dystrophy type 2J (LGMDR10). Also called: Limb-girdle muscular dystrophy, type 2J; MUSCULAR DYSTROPHY, LIMB-GIRDLE, AUTOSOMAL RECESSIVE 10. Identifiers: Orphanet 140922, MedGen C1837342, MONDO:0012127, OMIM 608807.
Dilated cardiomyopathy 1G (CMD1G). Identifiers: Orphanet 154, MedGen C1858763, MONDO:0011400, OMIM 604145.

Submission:

Labcorp Genetics (formerly Invitae), Labcorp
Classification: Uncertain significance for Dilated cardiomyopathy 1G; Autosomal recessive limb-girdle muscular dystrophy type 2J. Last evaluated: 2022-01-19. Review status: criteria provided, single submitter. Criteria: Invitae Variant Classification Sherloc (09022015). Collection method: clinical testing. Allele origin: germline.
Comment: This variant is located in the M band of TTN (PMID: 25589632). Variants in this region may be relevant for neuromuscular disorders, but have not been definitively shown to cause cardiomyopathy (PMID: 23975875). In summary, the available evidence is currently insufficient to determine the role of this variant in disease. Therefore, it has been classified as a Variant of Uncertain Significance. Experimental studies and prediction algorithms are not available or were not evaluated, and the functional significance of this variant is currently unknown. This variant has not been reported in the literature in individuals affected with TTN-related conditions. This variant is not present in population databases (gnomAD no frequency). This sequence change replaces arginine, which is basic and polar, with glycine, which is neutral and non-polar, at codon 34894 of the TTN protein (p.Arg34894Gly).

Literature cited by the submitters: PubMed 25589632; PubMed 23975875.

NM_001267550.2(TTN):c.104680A>G (p.Arg34894Gly)

Genes: TTN-AS1 (TTN antisense RNA 1; plus strand), TTN (titin; minus strand). Cytogenetic location: 2q31.2.
Variant type: single nucleotide variant.
Coding change: c.104680A>G on transcript NM_001267550.2 (MANE Select); coding-DNA position 104680, A replaced by G.
Protein change: p.Arg34894Gly; replaces arginine 34894 with glycine.
Molecular consequence: missense variant.
Genome position (GRCh38, 1-based): chr2:178,531,935, T>C on the plus strand (A>G on the coding strand, the complement: TTN is on the minus strand). VCF-style: chr2-178531935-T-C. GRCh37 (hg19) VCF-style: chr2-179396662-T-C.
Other names: c.99757A>G, p.Arg33253Gly (NM_001256850.1); c.77485A>G, p.Arg25829Gly (NM_003319.4); c.96976A>G, p.Arg32326Gly (NM_133378.4); c.77860A>G, p.Arg25954Gly (NM_133432.3); c.78061A>G, p.Arg26021Gly (NM_133437.4); short protein forms R25954G, R32326G, R26021G, R34894G, R25829G, R33253G.
Identifiers: ClinVar variation 2087999 (VCV002087999.4), dbSNP rs2468430132, ClinGen allele CA349411159.